The following is an entry in ClinVar:

ClinVar aggregate classification (germline): Uncertain significance (1 of 4 stars; one submission).

Submission:

Labcorp Genetics (formerly Invitae), Labcorp
Classification: Uncertain significance. Last evaluated: 2024-04-09. Review status: criteria provided, single submitter. Criteria: Invitae Variant Classification Sherloc (09022015). Collection method: clinical testing. Allele origin: germline.
Comment: This sequence change creates a premature translational stop signal (p.Glu320*) in the FGFR3 gene. It is expected to result in an absent or disrupted protein product. However, the current clinical and genetic evidence is not sufficient to establish whether loss-of-function variants in FGFR3 cause disease. This variant is not present in population databases (gnomAD no frequency). This variant has not been reported in the literature in individuals affected with FGFR3-related conditions. Algorithms developed to predict the effect of sequence changes on RNA splicing suggest that this variant may disrupt the consensus splice site. In summary, the available evidence is currently insufficient to determine the role of this variant in disease. Therefore, it has been classified as a Variant of Uncertain Significance.

NM_000142.5(FGFR3):c.958G>T (p.Glu320Ter)

Gene: FGFR3 (fibroblast growth factor receptor 3; plus strand). Cytogenetic location: 4p16.3.
Variant type: single nucleotide variant.
Coding change: c.958G>T on transcript NM_000142.5 (MANE Select); coding-DNA position 958, G replaced by T.
Protein change: p.Glu320Ter; replaces glutamic acid 320 with a stop codon.
Molecular consequence: nonsense. On other transcripts: non-coding transcript variant (1), intron variant (2).
Genome position (GRCh38, 1-based): chr4:1,803,719, G>T. VCF-style: chr4-1803719-G-T. GRCh37 (hg19) VCF-style: chr4-1805446-G-T.
Other names: c.958G>T, p.Glu320Ter (NM_001354809.2, NM_001354810.2); c.1082-611G>T (NM_001163213.2); c.931-1105G>T (NM_022965.4); short protein forms E320*.
Identifiers: ClinVar variation 3649311 (VCV003649311.2).